The following is an entry in ClinVar:

ClinVar aggregate classification (germline): Uncertain significance (1 of 4 stars; one submission).

Submission:

Labcorp Genetics (formerly Invitae), Labcorp
Classification: Uncertain significance. Last evaluated: 2024-03-29. Review status: criteria provided, single submitter. Criteria: Invitae Variant Classification Sherloc (09022015). Collection method: clinical testing. Allele origin: germline.
Comment: This sequence change replaces proline, which is neutral and non-polar, with alanine, which is neutral and non-polar, at codon 2282 of the POLE protein (p.Pro2282Ala). This variant is not present in population databases (gnomAD no frequency). This variant has not been reported in the literature in individuals affected with POLE-related conditions. An algorithm developed to predict the effect of missense changes on protein structure and function (PolyPhen-2) suggests that this variant is likely to be tolerated. In summary, the available evidence is currently insufficient to determine the role of this variant in disease. Therefore, it has been classified as a Variant of Uncertain Significance.

NM_006231.4(POLE):c.6844C>G (p.Pro2282Ala)

Gene: POLE (DNA polymerase epsilon, catalytic subunit; minus strand). Cytogenetic location: 12q24.33.
Variant type: single nucleotide variant.
Coding change: c.6844C>G on transcript NM_006231.4 (MANE Select); coding-DNA position 6844, C replaced by G.
Protein change: p.Pro2282Ala; replaces proline 2282 with alanine.
Molecular consequence: missense variant.
Genome position (GRCh38, 1-based): chr12:132,624,714, G>C on the plus strand (C>G on the coding strand, the complement: POLE is on the minus strand). VCF-style: chr12-132624714-G-C. GRCh37 (hg19) VCF-style: chr12-133201300-G-C.
Other names: short protein forms P2282A.
Identifiers: ClinVar variation 3648146 (VCV003648146.2).
Genomic context (GRCh38, chr12:132,624,714, plus strand): 5'-GAGGCCTGGCACGGACGCAGAGGCACCCGGGGCCCGGGGCTGGCTAATGGCCCAGCTGTG[G>C]GTTCTTCTGCAGCAGCCACTCCAGGGTCTCCAGGAGGTACGACATGCCGTAGTGCTGGGC-3'
Protein context (NP_006222.2, residues 2272-2286): ETLEWLLQKN[Pro2282Ala]QLGH